The following is an entry in ClinVar:

NM_000051.4(ATM):c.107A>G (p.Asp36Gly)

Gene: ATM (ATM serine/threonine kinase; plus strand). Cytogenetic location: 11q22.3.
Variant type: single nucleotide variant.
Coding change: c.107A>G on transcript NM_000051.4 (MANE Select); coding-DNA position 107, A replaced by G.
Protein change: p.Asp36Gly; replaces aspartic acid 36 with glycine.
Molecular consequence: missense variant.
Genome position (GRCh38, 1-based): chr11:108,227,810, A>G. VCF-style: chr11-108227810-A-G. GRCh37 (hg19) VCF-style: chr11-108098537-A-G.
Other names: c.107A>G, p.Asp36Gly (NM_001351834.2, NM_001351835.2, NM_001351836.2); short protein forms D36G.
Identifiers: ClinVar variation 569423 (VCV000569423.16), dbSNP rs1488019755, ClinGen allele CA382519754.

ClinVar aggregate classification (germline): Uncertain significance. Review status: criteria provided, multiple submitters, no conflicts (2 of 4 stars). 4 submissions from 4 submitters: Uncertain significance (4). Last evaluated 2024-10-28.

Conditions:
Ataxia-telangiectasia syndrome (AT). Also called: Ataxia-telangiectasia, complementation group D; AT, COMPLEMENTATION GROUP C; Cerebello-oculocutaneous telangiectasia; Immunodeficiency with ataxia telangiectasia; LOUIS-BAR SYNDROME; Ataxia telangiectasia (A-T). Identifiers: Orphanet 100, MedGen C0004135, MONDO:0008840, OMIM 208900.
Hereditary cancer-predisposing syndrome. Also called: Hereditary neoplastic syndrome; Neoplastic Syndromes, Hereditary; Hereditary Cancer Syndrome; Tumor predisposition. Identifiers: Orphanet 140162, MedGen C0027672, MeSH D009386, MONDO:0015356.

Allele frequency attached by ClinVar (database versions not stated): gnomAD exomes below 0.00001.
gnomAD v4.1: 5 of 1,613,734 alleles (0.00031%); highest among the groups gnomAD compares: East Asian, 0.011%; no homozygotes.

Submissions (4):

Blueprint Genetics
Classification: Uncertain significance. Last evaluated: 2024-10-28. Review status: criteria provided, single submitter. Criteria: ACMG Guidelines, 2015. Collection method: clinical testing. Allele origin: germline.

Labcorp Genetics (formerly Invitae), Labcorp
Classification: Uncertain significance for Ataxia-telangiectasia syndrome. Last evaluated: 2024-04-22. Review status: criteria provided, single submitter. Criteria: Invitae Variant Classification Sherloc (09022015). Collection method: clinical testing. Allele origin: germline.
Comment: This sequence change replaces aspartic acid, which is acidic and polar, with glycine, which is neutral and non-polar, at codon 36 of the ATM protein (p.Asp36Gly). This variant is not present in population databases (gnomAD no frequency). This missense change has been observed in individual(s) with clinical features of ATM-related conditions (PMID: 30287823). ClinVar contains an entry for this variant (Variation ID: 569423). Advanced modeling of protein sequence and biophysical properties (such as structural, functional, and spatial information, amino acid conservation, physicochemical variation, residue mobility, and thermodynamic stability) performed at Invitae indicates that this missense variant is not expected to disrupt ATM protein function with a negative predictive value of 95%. In summary, the available evidence is currently insufficient to determine the role of this variant in disease. Therefore, it has been classified as a Variant of Uncertain Significance.

Ambry Genetics
Classification: Uncertain significance for Hereditary cancer-predisposing syndrome. Last evaluated: 2024-02-27. Review status: criteria provided, single submitter. Criteria: Ambry Variant Classification Scheme 2023. Collection method: clinical testing. Allele origin: germline.
Comment: The p.D36G variant (also known as c.107A>G), located in coding exon 2 of the ATM gene, results from an A to G substitution at nucleotide position 107. The aspartic acid at codon 36 is replaced by glycine, an amino acid with similar properties. This amino acid position is well conserved in available vertebrate species. In addition, this alteration is predicted to be tolerated by in silico analysis. Since supporting evidence is limited at this time, the clinical significance of this alteration remains unclear.

Color Diagnostics, LLC DBA Color Health
Classification: Uncertain significance for Hereditary cancer-predisposing syndrome. Last evaluated: 2019-06-06. Review status: criteria provided, single submitter. Criteria: ACMG Guidelines, 2015. Collection method: clinical testing. Allele origin: germline.

Literature cited by the submitters: PubMed 30287823 (cited by Labcorp Genetics (formerly Invitae), Labcorp and Ambry Genetics).